The following is an entry in ClinVar:

ClinVar aggregate classification (germline): Likely pathogenic (1 of 4 stars; one submission).

Conditions:
Very long chain acyl-CoA dehydrogenase deficiency (ACADVLD). Also called: Very Long-Chain Acyl-Coenzyme A Dehydrogenase Deficiency; VLCAD Deficiency. Identifiers: Orphanet 26793, MedGen C3887523, MONDO:0008723, OMIM 201475.

Submission:

Labcorp Genetics (formerly Invitae), Labcorp
Classification: Likely pathogenic for Very long chain acyl-CoA dehydrogenase deficiency. Last evaluated: 2023-09-18. Review status: criteria provided, single submitter. Criteria: Invitae Variant Classification Sherloc (09022015). Collection method: clinical testing. Allele origin: germline.
Comment: This variant is not present in population databases (gnomAD no frequency). This variant results in the deletion of part of exon 3 (c.201_204+13del) of the ACADVL gene. It is expected to disrupt RNA splicing. Variants that disrupt the donor or acceptor splice site typically lead to a loss of protein function (PMID: 16199547), and loss-of-function variants in ACADVL are known to be pathogenic (PMID: 9973285, 11590124). In summary, the currently available evidence indicates that the variant is pathogenic, but additional data are needed to prove that conclusively. Therefore, this variant has been classified as Likely Pathogenic. ClinVar contains an entry for this variant (Variation ID: 1999779). This variant has not been reported in the literature in individuals affected with ACADVL-related conditions.

Literature cited by the submitters: PubMed 16199547; PubMed 9973285; PubMed 11590124.

NM_000018.4(ACADVL):c.201_204+13del

Gene: ACADVL (acyl-CoA dehydrogenase very long chain; plus strand). Cytogenetic location: 17p13.1.
Variant type: Deletion.
Coding change: c.201_204+13del on transcript NM_000018.4 (MANE Select); coding-DNA position 201 through 13 bases into the intron after coding-DNA position 204, 17 bases deleted (GGCGGTAGGTAGCCCCG).
Molecular consequence: splice donor variant. On other transcripts: intron variant (1).
Genome position (GRCh38, 1-based): chr17:7,220,526-7,220,542, GGCGGTAGGTAGCCCCG deleted. VCF-style (leftmost placement, unchanged base first): chr17-7220525-AGGCGGTAGGTAGCCCCG-A. GRCh37 (hg19) VCF-style: chr17-7123844-AGGCGGTAGGTAGCCCCG-A.
Other names: c.270_273+13del (NM_001270447.2); c.-28_-25+13del (NM_001270448.2); c.139-78_139-62del (NM_001033859.3).
Identifiers: ClinVar variation 1999779 (VCV001999779.4), dbSNP rs2508249216, ClinGen allele CA2576147686.